The following is an entry in ClinVar:

ClinVar aggregate classification (germline): Pathogenic/Likely pathogenic. Review status: criteria provided, multiple submitters, no conflicts (2 of 4 stars). 2 submissions from 2 submitters: Pathogenic (1); Likely pathogenic (1). Last evaluated 2024-05-16.

Submissions (2):

Athena Diagnostics
Classification: Pathogenic. Last evaluated: 2024-05-16. Review status: criteria provided, single submitter. Criteria: Athena Diagnostics Criteria. Collection method: clinical testing. Allele origin: unknown.
Comment: This variant alters a critical location within the protein, and is expected to severely affect function and cause disease. This variant has not been reported in large, multi-ethnic general populations. This variant has been identified in at least one individual with clinical features associated with CADASIL. In some published literature, this variant is referred to as c.527A>G. Greater than 90% of NOTCH3 pathogenic variants associated with CADASIL involve the gain or loss of a cysteine residue within the epidermal growth factor (EGF)-like repeat domain (PMID: 32457593, 20301673).

CeGaT Center for Human Genetics Tuebingen
Classification: Likely pathogenic. Last evaluated: 2023-10-01. Review status: criteria provided, single submitter. Criteria: CeGaT Center For Human Genetics Tuebingen Variant Classification Criteria Version 2. Collection method: clinical testing. Allele origin: germline. Affected: yes. Observed: 1 variant allele.
Comment: NOTCH3: PM1:Strong, PM2, PP4, PS4:Supporting

Literature cited by the submitters: PubMed 19174371 (cited by Athena Diagnostics); PubMed 37873835 (cited by Athena Diagnostics); PubMed 15364702 (cited by Athena Diagnostics); PubMed 25980907 (cited by Athena Diagnostics); PubMed 10854111 (cited by Athena Diagnostics).

NM_000435.3(NOTCH3):c.449A>G (p.Tyr150Cys)

Gene: NOTCH3 (notch receptor 3; minus strand). Cytogenetic location: 19p13.12.
Variant type: single nucleotide variant.
Coding change: c.449A>G on transcript NM_000435.3 (MANE Select); coding-DNA position 449, A replaced by G.
Protein change: p.Tyr150Cys; replaces tyrosine 150 with cysteine.
Molecular consequence: missense variant.
Genome position (GRCh38, 1-based): chr19:15,192,190, T>C on the plus strand (A>G on the coding strand, the complement: NOTCH3 is on the minus strand). VCF-style: chr19-15192190-T-C. GRCh37 (hg19) VCF-style: chr19-15303001-T-C.
Other names: c.449A>G (NM_000435.2); short protein forms Y150C.
Identifiers: ClinVar variation 2649443 (VCV002649443.25), dbSNP rs2145442191, ClinGen allele CA404534017.